The following is an entry in ClinVar:

NM_005465.7(AKT3):c.*5453T>G

Genes: AKT3 (AKT serine/threonine kinase 3; minus strand), SDCCAG8 (SHH signaling and ciliogenesis regulator SDCCAG8; plus strand). Cytogenetic location: 1q43.
Variant type: single nucleotide variant.
Coding change: c.*5453T>G on transcript NM_005465.7 (MANE Select); 5453 bases downstream of the stop codon, T replaced by G.
Molecular consequence: 3 prime UTR variant. On other transcripts: intron variant (2).
Genome position (GRCh38, 1-based): chr1:243,499,796, A>C on the plus strand (T>G on the coding strand, the complement: AKT3 is on the minus strand). VCF-style: chr1-243499796-A-C. GRCh37 (hg19) VCF-style: chr1-243663098-A-C.
Other names: NC_000001.10:g.243663098A>C; c.*5453T>G (NM_001370074.1); c.*11A>C (NM_001350246.2, NM_001350247.2, NM_001350248.2 and 3 more transcripts); c.1355-10T>G (NM_181690.2, NM_001206729.2).
Identifiers: ClinVar variation 3058889 (VCV003058889.4), dbSNP rs574680728, ClinGen allele CA1483877.

ClinVar aggregate classification (germline): Likely benign. Review status: criteria provided, single submitter (1 of 4 stars). 2 submissions from 2 submitters: Likely benign (1). 1 of the submissions does not count toward it. Last evaluated 2024-08-08.

Conditions:
AKT3-related disorder. Also called: AKT3-related condition.

Allele frequency attached by ClinVar (database versions not stated): gnomAD exomes 0.00013; ExAC 0.00028; 1000 Genomes Project 30x 0.00078; 1000 Genomes Project 0.00080; gnomAD 0.00101; TOPMed 0.00113.
gnomAD v4.1: 345 of 1,611,788 alleles (0.021%); highest among the groups gnomAD compares: African/African-American, 0.36%; no homozygotes.

Submissions (4):

Blueprint Genetics
Classification: Likely benign. Last evaluated: 2024-08-08. Review status: criteria provided, single submitter. Criteria: ACMG Guidelines, 2015. Collection method: clinical testing. Allele origin: germline.

PreventionGenetics, part of Exact Sciences
Classification: Likely benign for AKT3-related condition. Last evaluated: 2019-05-02. Review status: no assertion criteria provided. Collection method: clinical testing. Allele origin: germline. Not counted in ClinVar's aggregate classification.
Comment: This variant is classified as likely benign based on ACMG/AMP sequence variant interpretation guidelines (Richards et al. 2015 PMID: 25741868, with internal and published modifications).

Dr. Peter K. Rogan Lab, Western University
No classification provided (evidence only). Condition: Uterine corpus endometrial carcinoma. Review status: no classification provided. Collection method: in vitro. Allele origin: not applicable. Functional consequence: retained intron. Not counted in ClinVar's aggregate classification.

Dr. Peter K. Rogan Lab, Western University
No classification provided (evidence only). Condition: Ovarian serous cystadenocarcinoma. Review status: no classification provided. Collection method: in vitro. Allele origin: not applicable. Functional consequence: retained intron. Not counted in ClinVar's aggregate classification.